The following is an entry in ClinVar:

NM_014855.3(AP5Z1):c.970T>C (p.Cys324Arg)

Gene: AP5Z1 (adaptor related protein complex 5 subunit zeta 1; plus strand). Cytogenetic location: 7p22.1.
Variant type: single nucleotide variant.
Coding change: c.970T>C on transcript NM_014855.3 (MANE Select); coding-DNA position 970, T replaced by C.
Protein change: p.Cys324Arg; replaces cysteine 324 with arginine.
Molecular consequence: missense variant. On other transcripts: non-coding transcript variant (1).
Genome position (GRCh38, 1-based): chr7:4,785,522, T>C. VCF-style: chr7-4785522-T-C. GRCh37 (hg19) VCF-style: chr7-4825153-T-C.
Other names: c.502T>C, p.Cys168Arg (NM_001364858.1); short protein forms C324R, C168R.
Identifiers: ClinVar variation 849153 (VCV000849153.9), dbSNP rs938469146, ClinGen allele CA366661184.

ClinVar aggregate classification (germline): Uncertain significance (1 of 4 stars; one submission).

Conditions:
Hereditary spastic paraplegia 48. Also called: SPASTIC PARAPLEGIA 48, AUTOSOMAL RECESSIVE; Spastic paraplegia 48. Identifiers: Orphanet 306511, MedGen C3150901, MONDO:0013342, OMIM 613647.

Allele frequency attached by ClinVar (database versions not stated): gnomAD exomes below 0.00001.

Submission:

Labcorp Genetics (formerly Invitae), Labcorp
Classification: Uncertain significance for Hereditary spastic paraplegia 48. Last evaluated: 2020-01-06. Review status: criteria provided, single submitter. Criteria: Invitae Variant Classification Sherloc (09022015). Collection method: clinical testing. Allele origin: germline.
Comment: In summary, the available evidence is currently insufficient to determine the role of this variant in disease. Therefore, it has been classified as a Variant of Uncertain Significance. Algorithms developed to predict the effect of missense changes on protein structure and function (SIFT, PolyPhen-2, Align-GVGD) all suggest that this variant is likely to be disruptive, but these predictions have not been confirmed by published functional studies and their clinical significance is uncertain. This variant has not been reported in the literature in individuals with AP5Z1-related conditions. This variant is not present in population databases (ExAC no frequency). This sequence change replaces cysteine with arginine at codon 324 of the AP5Z1 protein (p.Cys324Arg). The cysteine residue is highly conserved and there is a large physicochemical difference between cysteine and arginine.